The following is an entry in ClinVar:

NM_005045.4(RELN):c.416C>T (p.Thr139Ile)

Gene: RELN (reelin; minus strand). Cytogenetic location: 7q22.1.
Variant type: single nucleotide variant.
Coding change: c.416C>T on transcript NM_005045.4 (MANE Select); coding-DNA position 416, C replaced by T.
Protein change: p.Thr139Ile; replaces threonine 139 with isoleucine.
Molecular consequence: missense variant.
Genome position (GRCh38, 1-based): chr7:103,833,594, G>A on the plus strand (C>T on the coding strand, the complement: RELN is on the minus strand). VCF-style: chr7-103833594-G-A. GRCh37 (hg19) VCF-style: chr7-103474041-G-A.
Other names: c.416C>T, p.Thr139Ile (NM_173054.3); short protein forms T139I.
Identifiers: ClinVar variation 2135589 (VCV002135589.5), dbSNP rs79471015, ClinGen allele CA368930767.
Genomic context (GRCh38, chr7:103,833,594, plus strand): 5'-TACATGAAATTCACACAGCCTGTGCCCGCAGGTGGAGCAATCCAGATGAAACTGAGGTTG[G>A]TTGTGGGCAGGTGACTCACGTGAGAGGCTACCACACTGCACATAAACTGGTTACCAAACT-3'
Protein context (NP_005036.2, residues 129-149): VASHVSHLPT[Thr139Ile]NLSFIWIAPP

ClinVar aggregate classification (germline): Uncertain significance. Review status: criteria provided, multiple submitters, no conflicts (2 of 4 stars). 2 submissions from 2 submitters: Uncertain significance (2). Last evaluated 2022-12-27.

Conditions:
Norman-Roberts syndrome (LIS2). Also called: Lissencephaly 2 (Norman-Roberts type). Identifiers: Orphanet 89844, MedGen C0796089, MONDO:0009760, OMIM 257320.
Familial temporal lobe epilepsy 7. Identifiers: Orphanet 101046, MedGen C4225327, MONDO:0014639, OMIM 616436.

Submissions (2):

Pittsburgh Clinical Genomics Laboratory, University of Pittsburgh Medical Center
Classification: Uncertain significance for Norman-Roberts syndrome. Last evaluated: 2022-12-27. Review status: criteria provided, single submitter. Criteria: ACMG Guidelines, 2015. Collection method: clinical testing. Allele origin: germline. Inheritance: Autosomal unknown. Affected: yes.
Comment: This sequence variant is a single nucleotide substitution (C>T) at coding position 416 of the RELN gene that results in a threonine to isoleucine amino acid change at residue 139 of the RELN protein product, Reelin. This is a novel variant that has not been reported to databases of clinically annotated variants, or observed in the literature in individuals with RELN-related illness, to our knowledge. This variant is also not observed in the gnomAD population database (0 of ~250,000 alleles). Multiple bioinformatic tools predict that this variant would be damaging, and the Thr139 residue is well conserved across the vertebrate species examined. Functiol studies testing the effect of this variant on protein structure or activity have not been performed, to our knowledge. At this time, there is insufficient evidence to determine if this variant is pathogenic or benign. Therefore, we consider this to be a variant of uncertain significance. ACMG Criteria: PM2, PP3

Labcorp Genetics (formerly Invitae), Labcorp
Classification: Uncertain significance for Familial temporal lobe epilepsy 7; Norman-Roberts syndrome. Last evaluated: 2022-05-08. Review status: criteria provided, single submitter. Criteria: Invitae Variant Classification Sherloc (09022015). Collection method: clinical testing. Allele origin: germline.
Comment: In summary, the available evidence is currently insufficient to determine the role of this variant in disease. Therefore, it has been classified as a Variant of Uncertain Significance. Algorithms developed to predict the effect of missense changes on protein structure and function are either unavailable or do not agree on the potential impact of this missense change (SIFT: "Deleterious"; PolyPhen-2: "Possibly Damaging"; Align-GVGD: "Class C0"). This variant has not been reported in the literature in individuals affected with RELN-related conditions. This variant is not present in population databases (gnomAD no frequency). This sequence change replaces threonine, which is neutral and polar, with isoleucine, which is neutral and non-polar, at codon 139 of the RELN protein (p.Thr139Ile).